The following is an entry in ClinVar:

NM_004855.5(PIGB):c.1569C>A (p.Phe523Leu)

Genes: CCPG1 (cell cycle progression 1; minus strand), DNAAF4-CCPG1 (DNAAF4-CCPG1 readthrough (NMD candidate); minus strand), PIGB (phosphatidylinositol glycan anchor biosynthesis class B; plus strand). Cytogenetic location: 15q21.3.
Variant type: single nucleotide variant.
Coding change: c.1569C>A on transcript NM_004855.5 (MANE Select); coding-DNA position 1569, C replaced by A.
Protein change: p.Phe523Leu; replaces phenylalanine 523 with leucine.
Molecular consequence: missense variant. On other transcripts: non-coding transcript variant (1), 3 prime UTR variant (4).
Genome position (GRCh38, 1-based): chr15:55,355,336, C>A. VCF-style: chr15-55355336-C-A. GRCh37 (hg19) VCF-style: chr15-55647534-C-A.
Other names: c.*884G>T (NM_001204450.2, NM_001204451.2); c.*4163G>T (NM_004748.6, NM_020739.5); short protein forms F523L.
Identifiers: ClinVar variation 1985131 (VCV001985131.1), dbSNP rs2543165029, ClinGen allele CA392544410.

ClinVar aggregate classification (germline): Uncertain significance (1 of 4 stars; one submission).

Allele frequency attached by ClinVar (database versions not stated): gnomAD exomes 0.00001.
gnomAD v4.1: 7 of 1,611,138 alleles (0.00043%); highest among the groups gnomAD compares: Admixed American, 0.0017%; no homozygotes.

Submission:

Labcorp Genetics (formerly Invitae), Labcorp
Classification: Uncertain significance. Last evaluated: 2022-08-20. Review status: criteria provided, single submitter. Criteria: Invitae Variant Classification Sherloc (09022015). Collection method: clinical testing. Allele origin: germline.
Comment: This sequence change replaces phenylalanine, which is neutral and non-polar, with leucine, which is neutral and non-polar, at codon 523 of the PIGB protein (p.Phe523Leu). This variant is not present in population databases (gnomAD no frequency). This variant has not been reported in the literature in individuals affected with PIGB-related conditions. Algorithms developed to predict the effect of missense changes on protein structure and function (SIFT, PolyPhen-2, Align-GVGD) all suggest that this variant is likely to be tolerated. In summary, the available evidence is currently insufficient to determine the role of this variant in disease. Therefore, it has been classified as a Variant of Uncertain Significance.